The following is an entry in ClinVar:

NM_002471.4(MYH6):c.5072G>C (p.Arg1691Pro)

Genes: MYH6 (myosin heavy chain 6; minus strand), LOC126861896 (BRD4-independent group 4 enhancer GRCh37_chr14:23854904-23856103; plus strand). Cytogenetic location: 14q11.2.
Variant type: single nucleotide variant.
Coding change: c.5072G>C on transcript NM_002471.4 (MANE Select); coding-DNA position 5072, G replaced by C.
Protein change: p.Arg1691Pro; replaces arginine 1691 with proline.
Molecular consequence: missense variant.
Genome position (GRCh38, 1-based): chr14:23,386,019, C>G on the plus strand (G>C on the coding strand, the complement: MYH6 is on the minus strand). VCF-style: chr14-23386019-C-G. GRCh37 (hg19) VCF-style: chr14-23855228-C-G.
Other names: short protein forms R1691P.
Identifiers: ClinVar variation 4614600 (VCV004614600.1).

ClinVar aggregate classification (germline): Uncertain significance (1 of 4 stars; one submission).

Conditions:
Cardiovascular phenotype. Identifiers: MedGen CN230736.

Submission:

Ambry Genetics
Classification: Uncertain significance for Cardiovascular phenotype. Last evaluated: 2025-09-16. Review status: criteria provided, single submitter. Criteria: Ambry Variant Classification Scheme 2023. Collection method: clinical testing. Allele origin: germline.
Comment: The p.R1691P variant (also known as c.5072G>C), located in coding exon 32 of the MYH6 gene, results from a G to C substitution at nucleotide position 5072. The arginine at codon 1691 is replaced by proline, an amino acid with dissimilar properties. This variant was reported in individual(s) with a family history of arrhythmogenic right ventricular cardiomyopathy (ARVC) and a variant was noted in another cardiac-related gene (Koutsofti C et al. Genes (Basel), 2024 Feb;15:). This amino acid position is highly conserved in available vertebrate species. In addition, this alteration is predicted to be deleterious by in silico analysis. Based on the available evidence, the clinical significance of this variant remains unclear.

Literature cited by the submitters: PubMed 38540378.